The following is an entry in ClinVar:

ClinVar aggregate classification (germline): Likely benign (1 of 4 stars; one submission).

gnomAD v4.1: 60 of 1,614,106 alleles (0.0037%); highest among the groups gnomAD compares: South Asian, 0.06%; 1 homozygote.

Submission:

CeGaT Center for Human Genetics Tuebingen
Classification: Likely benign. Last evaluated: 2026-07-01. Review status: criteria provided, single submitter. Criteria: CeGaT Center For Human Genetics Tuebingen Variant Classification Criteria Version 2. Collection method: clinical testing. Allele origin: germline. Affected: yes. Observed: 1 variant allele.
Comment: CENPF: BP4, BP7

NM_016343.4(CENPF):c.8997A>G (p.Pro2999=)

Gene: CENPF (centromere protein F; plus strand). Cytogenetic location: 1q41.
Variant type: single nucleotide variant.
Coding change: c.8997A>G on transcript NM_016343.4 (MANE Select); coding-DNA position 8997, A replaced by G.
Protein change: p.Pro2999=; no amino-acid change (proline 2999 retained).
Molecular consequence: synonymous variant.
Genome position (GRCh38, 1-based): chr1:214,658,884, A>G. VCF-style: chr1-214658884-A-G. GRCh37 (hg19) VCF-style: chr1-214832227-A-G.
Identifiers: ClinVar variation 5040155 (VCV005040155.1).